The following is an entry in ClinVar:

NM_001134407.3(GRIN2A):c.1251C>A (p.Val417=)

Gene: GRIN2A (glutamate ionotropic receptor NMDA type subunit 2A; minus strand). Cytogenetic location: 16p13.2.
Variant type: single nucleotide variant.
Coding change: c.1251C>A on transcript NM_001134407.3 (MANE Select); coding-DNA position 1251, C replaced by A.
Protein change: p.Val417=; no amino-acid change (valine 417 retained).
Molecular consequence: synonymous variant.
Genome position (GRCh38, 1-based): chr16:9,849,833, G>T on the plus strand (C>A on the coding strand, the complement: GRIN2A is on the minus strand). VCF-style: chr16-9849833-G-T. GRCh37 (hg19) VCF-style: chr16-9943690-G-T.
Other names: c.1251C>A, p.Val417= (NM_000833.5, NM_001134408.2).
Identifiers: ClinVar variation 416688 (VCV000416688.23), dbSNP rs139329447, ClinGen allele CA7896775.

ClinVar aggregate classification (germline): Benign/Likely benign. Review status: criteria provided, multiple submitters, no conflicts (2 of 4 stars). 3 submissions from 3 submitters: Benign (1); Likely benign (2). Last evaluated 2024-09-01.

Conditions:
Landau-Kleffner syndrome (FESD). Also called: EPILEPSY, FOCAL, WITH SPEECH DISORDER AND WITH OR WITHOUT MENTAL RETARDATION; APHASIA, ACQUIRED, WITH EPILEPSY. Identifiers: Orphanet 1945, Orphanet 725, Orphanet 98818, MedGen C0282512, MONDO:0009509, OMIM 245570.

Allele frequency attached by ClinVar (database versions not stated): 1000 Genomes Project 30x 0.00016; TOPMed 0.00001.
gnomAD v4.1: 57 of 1,614,026 alleles (0.0035%); highest among the groups gnomAD compares: South Asian, 0.059%; no homozygotes.

Submissions (3):

CeGaT Center for Human Genetics Tuebingen
Classification: Likely benign. Last evaluated: 2024-09-01. Review status: criteria provided, single submitter. Criteria: CeGaT Center For Human Genetics Tuebingen Variant Classification Criteria Version 2. Collection method: clinical testing. Allele origin: germline. Affected: yes. Observed: 1 variant allele.
Comment: GRIN2A: BP4, BS2

Labcorp Genetics (formerly Invitae), Labcorp
Classification: Benign for Landau-Kleffner syndrome. Last evaluated: 2024-08-20. Review status: criteria provided, single submitter. Criteria: Invitae Variant Classification Sherloc (09022015). Collection method: clinical testing. Allele origin: germline.

Blueprint Genetics
Classification: Likely benign. Last evaluated: 2024-06-28. Review status: criteria provided, single submitter. Criteria: ACMG Guidelines, 2015. Collection method: clinical testing. Allele origin: germline.